The following is an entry in ClinVar:

ClinVar aggregate classification (germline): Conflicting classifications of pathogenicity. Review status: criteria provided, conflicting classifications (1 of 4 stars). 5 submissions from 5 submitters: Uncertain significance (3); Likely benign (2). Last evaluated 2024-02-08.

Conditions:
Maturity-onset diabetes of the young (MODY). Also called: Maturity onset diabetes mellitus in young. Identifiers: Orphanet 552, MedGen C0342276, MONDO:0018911, HP:0004904.
Inborn genetic diseases. Identifiers: MedGen C0950123, MeSH D030342.

Allele frequency attached by ClinVar (database versions not stated): gnomAD 0.00004; TOPMed 0.00009; ESP Exome Variant Server 0.00015; 1000 Genomes Project 30x 0.00031; 1000 Genomes Project 0.00040.

Submissions (5):

Labcorp Genetics (formerly Invitae), Labcorp
Classification: Likely benign. Last evaluated: 2024-02-08. Review status: criteria provided, single submitter. Criteria: Invitae Variant Classification Sherloc (09022015). Collection method: clinical testing. Allele origin: germline.

GeneDx
Classification: Uncertain significance. Last evaluated: 2023-10-20. Review status: criteria provided, single submitter. Criteria: GeneDx Variant Classification Process June 2021. Collection method: clinical testing. Allele origin: germline. Affected: yes.
Comment: In silico analysis supports that this variant does not alter splicing; Has not been previously published as pathogenic or benign to our knowledge

Ambry Genetics
Classification: Likely benign for Inborn genetic diseases. Last evaluated: 2022-08-30. Review status: criteria provided, single submitter. Criteria: Ambry Variant Classification Scheme 2023. Collection method: clinical testing. Allele origin: germline.

Genetic Services Laboratory, University of Chicago
Classification: Uncertain significance. Last evaluated: 2014-08-05. Review status: criteria provided, single submitter. Criteria: ACMG Guidelines, 2015. Collection method: clinical testing. Allele origin: germline.

Clinical Genomics, Uppaluri K&H Personalized Medicine Clinic
Classification: Uncertain significance for Maturity-onset diabetes of the young. Review status: criteria provided, single submitter. Criteria: K&H Uppaluri Personalized Medicine Clinic Variant Classification & Assertion Criteria. Collection method: research. Allele origin: somatic. Inheritance: Autosomal dominant inheritance.
Comment: Mutations in KCNJ11 gene can cause decreased production and secretion of insulin. This can lead to MODY which may be responsive to oral sulfonylureas. It is also associated with with Neonatal Diabetes. However, no sufficient evidence is found to ascertain the role of rs114899765 variant in MODY yet.

Literature cited by the submitters: PubMed 26448950 (cited by Clinical Genomics, Uppaluri K&H Personalized Medicine Clinic); PubMed 15580558 (cited by Clinical Genomics, Uppaluri K&H Personalized Medicine Clinic); PubMed 15718250 (cited by Clinical Genomics, Uppaluri K&H Personalized Medicine Clinic); PubMed 32935446 (cited by Clinical Genomics, Uppaluri K&H Personalized Medicine Clinic); PubMed 22701567 (cited by Clinical Genomics, Uppaluri K&H Personalized Medicine Clinic).

NM_000525.4(KCNJ11):c.567C>T (p.Ile189=)

Gene: KCNJ11 (potassium inwardly rectifying channel subfamily J member 11; minus strand). Cytogenetic location: 11p15.1.
Variant type: single nucleotide variant.
Coding change: c.567C>T on transcript NM_000525.4 (MANE Select); coding-DNA position 567, C replaced by T.
Protein change: p.Ile189=; no amino-acid change (isoleucine 189 retained).
Molecular consequence: synonymous variant.
Genome position (GRCh38, 1-based): chr11:17,387,525, G>A on the plus strand (C>T on the coding strand, the complement: KCNJ11 is on the minus strand). VCF-style: chr11-17387525-G-A. GRCh37 (hg19) VCF-style: chr11-17409072-G-A.
Other names: c.306C>T, p.Ile102= (NM_001166290.2, NM_001377296.1, NM_001377297.1).
Identifiers: ClinVar variation 211224 (VCV000211224.20), dbSNP rs114899765, ClinGen allele CA207806.
Genomic context (GRCh38, chr11:17,387,525, plus strand): 5'-CATGCTCTTGCGGAGGTCACCCACACGTAGCATGAAGCAGAGGCGGCCGTGGCGCAGGGC[G>A]ATCACCGCATGCTTGCTGAAGATGAGGGTCTCAGCCCTGCGGTGGGCTTGGGCAGTCTTC-3'
Protein context (NP_000516.3, residues 179-199): ETLIFSKHAV[Ile189=]ALRHGRLCFM